The following is an entry in ClinVar:

ClinVar aggregate classification (germline): Likely pathogenic. Review status: criteria provided, multiple submitters, no conflicts (2 of 4 stars). 3 submissions from 3 submitters: Likely pathogenic (2). 1 of the submissions does not count toward it. Last evaluated 2019-11-29.

Conditions:
Pyruvate dehydrogenase E1-alpha deficiency (PDHAD). Also called: ATAXIA, INTERMITTENT, WITH PYRUVATE DEHYDROGENASE DEFICIENCY; ATAXIA WITH LACTIC ACIDOSIS I; ATAXIA, INTERMITTENT, WITH ABNORMAL PYRUVATE METABOLISM; Ataxia, intermittent, with pyruvate dehydrogenase, or decarboxylase, deficiency. Identifiers: Orphanet 79243, MedGen C1839413, MONDO:0010717, OMIM 312170.
PDHA1-related disorder. Also called: PDHA1-related condition.

Submissions (3):

Blueprint Genetics
Classification: Likely pathogenic for PDHA1-related disorders. Last evaluated: 2019-11-29. Review status: criteria provided, single submitter. Criteria: ACMG Guidelines, 2015. Collection method: clinical testing. Allele origin: germline. Affected: yes. Observed: 1 variant allele.

Institute of Human Genetics Munich, TUM University Hospital
Classification: Likely pathogenic for Pyruvate dehydrogenase E1-alpha deficiency. Last evaluated: 2017-12-07. Review status: criteria provided, single submitter. Criteria: Classification criteria August 2017. Collection method: clinical testing. Allele origin: germline. Inheritance: X-linked inheritance. Affected: yes. Observed: 1 heterozygote.

PDHA1 Study Group, University Children’s Hospital, Paracelsus Medical University
Classification: Likely pathogenic for Pyruvate dehydrogenase E1-alpha deficiency. Last evaluated: 2024-10-15. Review status: no assertion criteria provided. Collection method: research. Allele origin: germline. Affected: yes. Observed: 1 variant allele. Not counted in ClinVar's aggregate classification.
Comment: The NM_000284.3:c.455C>T (p.Ser152Leu) substitution is a missense variant in PDHA1 gene. Last literature search: July 12, 2024. This variant is absent or extremely rare in population-based cohorts in the Genome Aggregation Database (gnomAD). Individuals harboring this variant presented with clinical features compatible with PDHA1-related PDHc deficiency. In summary, this variant meets criteria to be classified as likely pathogenic (LP) for PDHA1-related PDHc deficiency based on the ACMG/AMP criteria applied: PM1, PM2, PM7, PP3 (last assessment October 15, 2024).

Literature cited by the submitters: DOI 10.1093/brain/awaf430 (cited by PDHA1 Study Group, University Children’s Hospital, Paracelsus Medical University).

NM_000284.4(PDHA1):c.455C>T (p.Ser152Leu)

Gene: PDHA1 (pyruvate dehydrogenase E1 subunit alpha 1; plus strand). Cytogenetic location: Xp22.12.
Variant type: single nucleotide variant.
Coding change: c.455C>T on transcript NM_000284.4 (MANE Select); coding-DNA position 455, C replaced by T.
Protein change: p.Ser152Leu; replaces serine 152 with leucine.
Molecular consequence: missense variant.
Genome position (GRCh38, 1-based): chrX:19,353,118, C>T. VCF-style: chrX-19353118-C-T. GRCh37 (hg19) VCF-style: chrX-19371236-C-T.
Other names: c.455C>T (NM_000284.3); c.569C>T, p.Ser190Leu (NM_001173454.2); c.476C>T, p.Ser159Leu (NM_001173455.2); c.455C>T, p.Ser152Leu (NM_001173456.2); short protein forms S152L, S159L, S190L.
Identifiers: ClinVar variation 488568 (VCV000488568.5), dbSNP rs1555933954, ClinGen allele CA412393200.